The following is an entry in ClinVar:

ClinVar aggregate classification (germline): Likely pathogenic (1 of 4 stars; one submission).

Conditions:
Anemia, nonspherocytic hemolytic, due to G6PD deficiency (CNSHA1). Also called: ANEMIA, CONGENITAL, NONSPHEROCYTIC HEMOLYTIC, 1; Class I glucose-6-phosphate dehydrogenase deficiency; Favism, susceptibility to; Hemolytic anemia due to G6PD deficiency. Identifiers: Orphanet 466026, MedGen C2720289, MONDO:0010480, OMIM 300908.

Allele frequency attached by ClinVar (database versions not stated): gnomAD exomes below 0.00001.
gnomAD v4.1: 2 of 1,212,017 alleles (0.00017%); highest among the groups gnomAD compares: Non-Finnish European, 0.00011%; no homozygotes.

Submission:

Dunham Lab, University of Washington
Classification: Likely pathogenic for Anemia, nonspherocytic hemolytic, due to G6PD deficiency. Last evaluated: 2022-08-12. Review status: criteria provided, single submitter. Criteria: Bayesian ACMG Guidelines, 2018. Collection method: curation. Allele origin: unknown. Affected: yes.
Comment: Not observed in gnomAD (PM2). Post_P 0.949 (odds of pathogenicity 168.4, Prior_P 0.1).

Literature cited by the submitters: PubMed 19589177.

NM_001360016.2(G6PD):c.7G>A (p.Glu3Lys)

Genes: G6PD (glucose-6-phosphate dehydrogenase; minus strand), IKBKG (inhibitor of nuclear factor kappa B kinase regulatory subunit gamma; plus strand). Cytogenetic location: Xq28.
Variant type: single nucleotide variant.
Coding change: c.7G>A on transcript NM_001360016.2 (MANE Select); coding-DNA position 7, G replaced by A.
Protein change: p.Glu3Lys; replaces glutamic acid 3 with lysine.
Molecular consequence: missense variant. On other transcripts: intron variant (4).
Genome position (GRCh38, 1-based): chrX:154,546,149, C>T on the plus strand (G>A on the coding strand, the complement: G6PD is on the minus strand). VCF-style: chrX-154546149-C-T. GRCh37 (hg19) VCF-style: chrX-153774364-C-T.
Other names: G6PD Vietnam 1; c.97G>A, p.Glu33Lys (NM_000402.4); c.7G>A, p.Glu3Lys (NM_001042351.3); c.-16+4758C>T (NM_001377312.1, NM_001377313.1); c.189+3697C>T (NM_001099856.6); c.-16+3762C>T (NM_001321396.3); short protein forms E33K, E3K.
Identifiers: ClinVar variation 1722683 (VCV001722683.2), dbSNP rs2070706721, ClinGen allele CA415202640.